The following is an entry in ClinVar:

NM_138694.4(PKHD1):c.6256G>A (p.Gly2086Ser)

Gene: PKHD1 (PKHD1 ciliary IPT domain containing fibrocystin/polyductin; minus strand). Cytogenetic location: 6p12.2.
Variant type: single nucleotide variant.
Coding change: c.6256G>A on transcript NM_138694.4 (MANE Select); coding-DNA position 6256, G replaced by A.
Protein change: p.Gly2086Ser; replaces glycine 2086 with serine.
Molecular consequence: missense variant.
Genome position (GRCh38, 1-based): chr6:51,912,442, C>T on the plus strand (G>A on the coding strand, the complement: PKHD1 is on the minus strand). VCF-style: chr6-51912442-C-T. GRCh37 (hg19) VCF-style: chr6-51777240-C-T.
Other names: c.6256G>A, p.Gly2086Ser (NM_170724.3); short protein forms G2086S.
Identifiers: ClinVar variation 4747939 (VCV004747939.1).
Genomic context (GRCh38, chr6:51,912,442, plus strand): 5'-GATAGAGGTCTGTATCCTGCACAGTTTCCACAGTGACAATCTCTTCCATCGGTTTGGCAC[C>T]TTTAACACCTGTTCCACTGATGATGACAACTTCATCCCCAGGGTTCCAGTCCACAGCATC-3'
Protein context (NP_619639.3, residues 2076-2096): VVIISGTGVK[Gly2086Ser]AKPMEEIVTV

ClinVar aggregate classification (germline): Uncertain significance (1 of 4 stars; one submission).

Conditions:
Autosomal recessive polycystic kidney disease (ARPKD). Also called: AR polycystic kidney disease. Identifiers: Orphanet 731, Orphanet 8378, MedGen C0085548, MeSH D017044, MONDO:0009889.

gnomAD v4.1: 8 of 1,613,104 alleles (0.0005%); highest among the groups gnomAD compares: African/African-American, 0.0093%; no homozygotes.

Submission:

Labcorp Genetics (formerly Invitae), Labcorp
Classification: Uncertain significance for Autosomal recessive polycystic kidney disease. Last evaluated: 2025-11-10. Review status: criteria provided, single submitter. Criteria: Invitae Variant Classification Sherloc (09022015). Collection method: clinical testing. Allele origin: germline.
Comment: This sequence change replaces glycine, which is neutral and non-polar, with serine, which is neutral and polar, at codon 2086 of the PKHD1 protein (p.Gly2086Ser). This variant is present in population databases (rs577564435, gnomAD 0.02%). This variant has not been reported in the literature in individuals affected with PKHD1-related conditions. Invitae Evidence Modeling of protein sequence and biophysical properties (such as structural, functional, and spatial information, amino acid conservation, physicochemical variation, residue mobility, and thermodynamic stability) indicates that this missense variant is not expected to disrupt PKHD1 protein function with a negative predictive value of 95%. In summary, the available evidence is currently insufficient to determine the role of this variant in disease. Therefore, it has been classified as a Variant of Uncertain Significance.